The following is an entry in ClinVar:

NM_206933.4(USH2A):c.8084A>G (p.Lys2695Arg)

Gene: USH2A (usherin; minus strand). Cytogenetic location: 1q41.
Variant type: single nucleotide variant.
Coding change: c.8084A>G on transcript NM_206933.4 (MANE Select); coding-DNA position 8084, A replaced by G.
Protein change: p.Lys2695Arg; replaces lysine 2695 with arginine.
Molecular consequence: missense variant.
Genome position (GRCh38, 1-based): chr1:215,888,565, T>C on the plus strand (A>G on the coding strand, the complement: USH2A is on the minus strand). VCF-style: chr1-215888565-T-C. GRCh37 (hg19) VCF-style: chr1-216061907-T-C.
Other names: short protein forms K2695R.
Identifiers: ClinVar variation 1054141 (VCV001054141.3), dbSNP rs770631315, ClinGen allele CA1394690.

ClinVar aggregate classification (germline): Uncertain significance. Review status: criteria provided, single submitter (1 of 4 stars). 2 submissions from 2 submitters: Uncertain significance (1). 1 of the submissions does not count toward it. Last evaluated 2021-08-26.

Conditions:
Usher syndrome type 2A. Also called: RETINAL DISEASE IN USHER SYNDROME TYPE IIA, MODIFIER OF; USHER SYNDROME, TYPE IIA. Identifiers: Orphanet 231178, Orphanet 886, MedGen C1848634, MONDO:0010169, OMIM 276901.

Allele frequency attached by ClinVar (database versions not stated): gnomAD exomes 0.00001 and 0.00002; ExAC 0.00002.
gnomAD v4.1: 22 of 1,614,160 alleles (0.0014%); highest among the groups gnomAD compares: Non-Finnish European, 0.0018%; no homozygotes.

Submissions (2):

Labcorp Genetics (formerly Invitae), Labcorp
Classification: Uncertain significance. Last evaluated: 2021-08-26. Review status: criteria provided, single submitter. Criteria: Invitae Variant Classification Sherloc (09022015). Collection method: clinical testing. Allele origin: germline.
Comment: This sequence change replaces lysine with arginine at codon 2695 of the USH2A protein (p.Lys2695Arg). The lysine residue is highly conserved and there is a small physicochemical difference between lysine and arginine. This variant is present in population databases (rs770631315, ExAC 0.01%). This variant has not been reported in the literature in individuals affected with USH2A-related conditions. Algorithms developed to predict the effect of missense changes on protein structure and function output the following: SIFT: "Tolerated"; PolyPhen-2: "Benign"; Align-GVGD: "Class C0". The arginine amino acid residue is found in multiple mammalian species, which suggests that this missense change does not adversely affect protein function. In summary, the available evidence is currently insufficient to determine the role of this variant in disease. Therefore, it has been classified as a Variant of Uncertain Significance.

Natera, Inc.
Classification: Uncertain significance for Usher syndrome type 2A. Last evaluated: 2020-04-28. Review status: no assertion criteria provided. Collection method: clinical testing. Allele origin: germline. Not counted in ClinVar's aggregate classification.